The following is an entry in ClinVar:

NM_173630.4(RTTN):c.2775C>T (p.Thr925=)

Gene: RTTN (rotatin; minus strand). Cytogenetic location: 18q22.2.
Variant type: single nucleotide variant.
Coding change: c.2775C>T on transcript NM_173630.4 (MANE Select); coding-DNA position 2775, C replaced by T.
Protein change: p.Thr925=; no amino-acid change (threonine 925 retained).
Molecular consequence: synonymous variant.
Genome position (GRCh38, 1-based): chr18:70,139,612, G>A on the plus strand (C>T on the coding strand, the complement: RTTN is on the minus strand). VCF-style: chr18-70139612-G-A. GRCh37 (hg19) VCF-style: chr18-67806848-G-A.
Other names: c.39C>T, p.Thr13= (NM_001318520.2).
Identifiers: ClinVar variation 3341836 (VCV003341836.18).

ClinVar aggregate classification (germline): Conflicting classifications of pathogenicity. Review status: criteria provided, conflicting classifications (1 of 4 stars). 2 submissions from 2 submitters: Uncertain significance (1); Likely benign (1). Last evaluated 2024-09-01.

gnomAD v4.1: 13 of 1,603,942 alleles (0.00081%); highest among the groups gnomAD compares: East Asian, 0.0022%; no homozygotes.

Submissions (2):

CeGaT Center for Human Genetics Tuebingen
Classification: Likely benign. Last evaluated: 2024-09-01. Review status: criteria provided, single submitter. Criteria: CeGaT Center For Human Genetics Tuebingen Variant Classification Criteria Version 2. Collection method: clinical testing. Allele origin: germline. Affected: yes. Observed: 1 variant allele.
Comment: RTTN: BP4, BP7

Labcorp Genetics (formerly Invitae), Labcorp
Classification: Uncertain significance. Last evaluated: 2024-02-12. Review status: criteria provided, single submitter. Criteria: Invitae Variant Classification Sherloc (09022015). Collection method: clinical testing. Allele origin: germline.
Comment: This sequence change affects codon 925 of the RTTN mRNA. It is a 'silent' change, meaning that it does not change the encoded amino acid sequence of the RTTN protein. This variant is present in population databases (rs772730599, gnomAD 0.006%). This variant has not been reported in the literature in individuals affected with RTTN-related conditions. Algorithms developed to predict the effect of sequence changes on RNA splicing suggest that this variant may disrupt the consensus splice site. In summary, the available evidence is currently insufficient to determine the role of this variant in disease. Therefore, it has been classified as a Variant of Uncertain Significance.